The following is an entry in ClinVar:

ClinVar aggregate classification (germline): Uncertain significance (1 of 4 stars; one submission).

Conditions:
Vici syndrome (VICIS). Identifiers: Orphanet 1493, MedGen C1855772, MONDO:0009452, OMIM 242840.

gnomAD v4.1: 1 of 1,613,644 alleles (0.000062%); highest among the groups gnomAD compares: Middle Eastern, 0.016%; no homozygotes.

Submission:

Labcorp Genetics (formerly Invitae), Labcorp
Classification: Uncertain significance for Vici syndrome. Last evaluated: 2023-12-09. Review status: criteria provided, single submitter. Criteria: Invitae Variant Classification Sherloc (09022015). Collection method: clinical testing. Allele origin: germline.
Comment: This sequence change replaces aspartic acid, which is acidic and polar, with valine, which is neutral and non-polar, at codon 599 of the EPG5 protein (p.Asp599Val). This variant is not present in population databases (gnomAD no frequency). This variant has not been reported in the literature in individuals affected with EPG5-related conditions. Advanced modeling of protein sequence and biophysical properties (such as structural, functional, and spatial information, amino acid conservation, physicochemical variation, residue mobility, and thermodynamic stability) performed at Invitae indicates that this missense variant is not expected to disrupt EPG5 protein function with a negative predictive value of 80%. In summary, the available evidence is currently insufficient to determine the role of this variant in disease. Therefore, it has been classified as a Variant of Uncertain Significance.

NM_020964.3(EPG5):c.1796A>T (p.Asp599Val)

Gene: EPG5 (ectopic P-granules 5 autophagy tethering factor; minus strand). Cytogenetic location: 18q21.1.
Variant type: single nucleotide variant.
Coding change: c.1796A>T on transcript NM_020964.3 (MANE Select); coding-DNA position 1796, A replaced by T.
Protein change: p.Asp599Val; replaces aspartic acid 599 with valine.
Molecular consequence: missense variant.
Genome position (GRCh38, 1-based): chr18:45,943,308, T>A on the plus strand (A>T on the coding strand, the complement: EPG5 is on the minus strand). VCF-style: chr18-45943308-T-A. GRCh37 (hg19) VCF-style: chr18-43523274-T-A.
Other names: c.1796A>T, p.Asp599Val (NM_001410858.1, NM_001410859.1); short protein forms D599V.
Identifiers: ClinVar variation 2700133 (VCV002700133.3), dbSNP rs759930853, ClinGen allele CA402348548.